The following is an entry in ClinVar:

NM_144666.3(DNHD1):c.6194del (p.Cys2065fs)

Gene: DNHD1 (dynein heavy chain domain 1; plus strand). Cytogenetic location: 11p15.4.
Variant type: Deletion.
Coding change: c.6194del on transcript NM_144666.3 (MANE Select); coding-DNA position 6194, one base deleted (G; older notation c.6194delG).
Protein change: p.Cys2065fs; shifts the reading frame from cysteine 2065.
Molecular consequence: frameshift variant.
Genome position (GRCh38, 1-based): chr11:6,547,133, G deleted. VCF-style (leftmost placement, unchanged base first): chr11-6547132-TG-T. GRCh37 (hg19) VCF-style: chr11-6568362-TG-T.
Other names: short protein forms C2065fs.
Identifiers: ClinVar variation 2147164 (VCV002147164.1), dbSNP rs1853238476, ClinGen allele CA1950237065.

ClinVar aggregate classification (germline): Pathogenic (1 of 4 stars; one submission).

Submission:

Labcorp Genetics (formerly Invitae), Labcorp
Classification: Pathogenic. Last evaluated: 2022-06-28. Review status: criteria provided, single submitter. Criteria: Invitae Variant Classification Sherloc (09022015). Collection method: clinical testing. Allele origin: germline.
Comment: This sequence change creates a premature translational stop signal (p.Cys2065Leufs*20) in the DNHD1 gene. It is expected to result in an absent or disrupted protein product. Loss-of-function variants in DNHD1 are known to be pathogenic (PMID: 34932939). This variant is not present in population databases (gnomAD no frequency). This variant has not been reported in the literature in individuals affected with DNHD1-related conditions. For these reasons, this variant has been classified as Pathogenic.

Literature cited by the submitters: PubMed 34932939.